The following is an entry in ClinVar:

ClinVar aggregate classification (germline): Benign/Likely benign. Review status: criteria provided, multiple submitters, no conflicts (2 of 4 stars). 4 submissions from 4 submitters: Benign (1); Likely benign (2). 1 of the submissions does not count toward it. Last evaluated 2026-01-18.

Conditions:
Inborn genetic diseases. Identifiers: MedGen C0950123, MeSH D030342.
FAT4-related disorder. Also called: FAT4-related condition.

Allele frequency attached by ClinVar (database versions not stated): ESP Exome Variant Server 0.00015; gnomAD 0.00056 and 0.00064; gnomAD exomes 0.00059 and 0.00116; ExAC 0.00121; 1000 Genomes Project 0.00140; 1000 Genomes Project 30x 0.00141.
gnomAD v4.1: 867 of 1,452,002 alleles (0.06%); highest among the groups gnomAD compares: East Asian, 0.47%; 3 homozygotes.

Submissions (4):

Labcorp Genetics (formerly Invitae), Labcorp
Classification: Benign. Last evaluated: 2026-01-18. Review status: criteria provided, single submitter. Criteria: Invitae Variant Classification Sherloc (09022015). Collection method: clinical testing. Allele origin: germline.

Ambry Genetics
Classification: Likely benign for Inborn genetic diseases. Last evaluated: 2021-07-09. Review status: criteria provided, single submitter. Criteria: Ambry Variant Classification Scheme 2023. Collection method: clinical testing. Allele origin: germline.

GeneDx
Classification: Likely benign. Last evaluated: 2019-01-30. Review status: criteria provided, single submitter. Criteria: GeneDx Variant Classification Process June 2021. Collection method: clinical testing. Allele origin: germline. Affected: yes.

PreventionGenetics, part of Exact Sciences
Classification: Likely benign for FAT4-related condition. Last evaluated: 2022-01-24. Review status: no assertion criteria provided. Collection method: clinical testing. Allele origin: germline. Not counted in ClinVar's aggregate classification.
Comment: This variant is classified as likely benign based on ACMG/AMP sequence variant interpretation guidelines (Richards et al. 2015 PMID: 25741868, with internal and published modifications).

NM_001291303.3(FAT4):c.13111A>G (p.Met4371Val)

Gene: FAT4 (FAT atypical cadherin 4; plus strand). Cytogenetic location: 4q28.1.
Variant type: single nucleotide variant.
Coding change: c.13111A>G on transcript NM_001291303.3 (MANE Select); coding-DNA position 13111, A replaced by G.
Protein change: p.Met4371Val; replaces methionine 4371 with valine.
Molecular consequence: missense variant.
Genome position (GRCh38, 1-based): chr4:125,489,927, A>G. VCF-style: chr4-125489927-A-G. GRCh37 (hg19) VCF-style: chr4-126411082-A-G.
Other names: c.13108A>G, p.Met4370Val (NM_001291285.3); c.13105A>G, p.Met4369Val (NM_024582.6); short protein forms M4369V, M4370V, M4371V.
Identifiers: ClinVar variation 792164 (VCV000792164.13), dbSNP rs139260545, ClinGen allele CA3074300.